The following is an entry in ClinVar:

ClinVar aggregate classification (germline): Uncertain significance (1 of 4 stars; one submission).

Conditions:
Bethlem myopathy 1A. Also called: Bethlem myopathy 1; MYOPATHY, BENIGN CONGENITAL, WITH CONTRACTURES; Bethlem Muscular Dystrophy. Identifiers: Orphanet 610, MedGen CN029274, MONDO:0024530, OMIM 158810.

Submission:

Labcorp Genetics (formerly Invitae), Labcorp
Classification: Uncertain significance for Bethlem myopathy 1A. Last evaluated: 2023-04-25. Review status: criteria provided, single submitter. Criteria: Invitae Variant Classification Sherloc (09022015). Collection method: clinical testing. Allele origin: germline.
Comment: In summary, the available evidence is currently insufficient to determine the role of this variant in disease. Therefore, it has been classified as a Variant of Uncertain Significance. Advanced modeling of protein sequence and biophysical properties (such as structural, functional, and spatial information, amino acid conservation, physicochemical variation, residue mobility, and thermodynamic stability) performed at Invitae indicates that this missense variant is expected to disrupt COL6A3 protein function. This variant has not been reported in the literature in individuals affected with COL6A3-related conditions. This variant is not present in population databases (gnomAD no frequency). This sequence change replaces alanine, which is neutral and non-polar, with aspartic acid, which is acidic and polar, at codon 1519 of the COL6A3 protein (p.Ala1519Asp).

NM_004369.4(COL6A3):c.4556C>A (p.Ala1519Asp)

Gene: COL6A3 (collagen type VI alpha 3 chain; minus strand). Cytogenetic location: 2q37.3.
Variant type: single nucleotide variant.
Coding change: c.4556C>A on transcript NM_004369.4 (MANE Select); coding-DNA position 4556, C replaced by A.
Protein change: p.Ala1519Asp; replaces alanine 1519 with aspartic acid.
Molecular consequence: missense variant.
Genome position (GRCh38, 1-based): chr2:237,368,907, G>T on the plus strand (C>A on the coding strand, the complement: COL6A3 is on the minus strand). VCF-style: chr2-237368907-G-T. GRCh37 (hg19) VCF-style: chr2-238277550-G-T.
Other names: c.2735C>A, p.Ala912Asp (NM_057166.5); c.3938C>A, p.Ala1313Asp (NM_057167.4); short protein forms A1313D, A1519D, A912D.
Identifiers: ClinVar variation 2802327 (VCV002802327.3), dbSNP rs2469888969, ClinGen allele CA351193039.